The following is an entry in ClinVar:

NM_001010909.5(MUC21):c.1212A>T (p.Thr404=)

Genes: MUC21 (mucin 21, cell surface associated; plus strand), LOC126859647 (CDK7 strongly-dependent group 2 enhancer GRCh37_chr6:30954612-30955811; plus strand). Cytogenetic location: 6p21.33.
Variant type: single nucleotide variant.
Coding change: c.1212A>T on transcript NM_001010909.5 (MANE Select); coding-DNA position 1212, A replaced by T.
Protein change: p.Thr404=; no amino-acid change (threonine 404 retained).
Molecular consequence: synonymous variant. On other transcripts: non-coding transcript variant (1).
Genome position (GRCh38, 1-based): chr6:30,987,387, A>T. VCF-style: chr6-30987387-A-T. GRCh37 (hg19) VCF-style: chr6-30955164-A-T.
Other names: c.1302A>T, p.Thr434= (NM_001322370.2, NM_001322371.2).
Identifiers: ClinVar variation 3234135 (VCV003234135.20), dbSNP rs1762416724, ClinGen allele CA449782727.
Genomic context (GRCh38, chr6:30,987,387, plus strand): 5'-CAGTGGGGCCAGCACAGCCACCACCTCTGAGTCCAGCACGACCTCCAGTGGGGCCAGCAC[A>T]GCCACCAACTCTGAGTCCAGCACAGTGTCCAGTGGGGCCAGCACTGCCACCAATTCTGAG-3'
Protein context (NP_001010909.2, residues 394-414): ESSTTSSGAS[Thr404=]ATNSESSTVS

ClinVar aggregate classification (germline): Likely benign (1 of 4 stars; one submission).

Submission:

CeGaT Center for Human Genetics Tuebingen
Classification: Likely benign. Last evaluated: 2025-03-01. Review status: criteria provided, single submitter. Criteria: CeGaT Center For Human Genetics Tuebingen Variant Classification Criteria Version 2. Collection method: clinical testing. Allele origin: germline. Affected: yes. Observed: 3 variant alleles.
Comment: MUC21: PM2:Supporting, BP4, BP7